The following is an entry in ClinVar:

NM_001393769.1(MED12L):c.6322C>T (p.Pro2108Ser)

Gene: MED12L (mediator complex subunit 12L; plus strand). Cytogenetic location: 3q25.1.
Variant type: single nucleotide variant.
Coding change: c.6322C>T on transcript NM_001393769.1 (MANE Select); coding-DNA position 6322, C replaced by T.
Protein change: p.Pro2108Ser; replaces proline 2108 with serine.
Molecular consequence: missense variant.
Genome position (GRCh38, 1-based): chr3:151,416,336, C>T. VCF-style: chr3-151416336-C-T. GRCh37 (hg19) VCF-style: chr3-151134124-C-T.
Other names: c.6217C>T, p.Pro2073Ser (NM_053002.6); short protein forms P2073S, P2108S.
Identifiers: ClinVar variation 1342631 (VCV001342631.1), dbSNP rs1279239457, ClinGen allele CA354984551.
Genomic context (GRCh38, chr3:151,416,336, plus strand): 5'-CCTTTTAAGTGTATAACATTTTTACCCTCTTTCCAGATGCAGCAGCCCCAGCAGCCCCAG[C>T]CCCAGCAGCCTCCCCAGCCCCAGCAGTCCTCGCAGTCCCAGAGTCAGACCCTTGGTCTCC-3'
Protein context (NP_001380698.1, residues 2098-2118): LQMQQPQQPQ[Pro2108Ser]QQPPQPQQSS

ClinVar aggregate classification (germline): Uncertain significance (1 of 4 stars; one submission).

Conditions:
Nizon-Isidor syndrome. Identifiers: MedGen C5394350, MONDO:0030030, OMIM 618872.

Allele frequency attached by ClinVar (database versions not stated): TOPMed below 0.00001.

Submission:

New York Genome Center
Classification: Uncertain significance for Nizon-Isidor syndrome. Last evaluated: 2021-02-19. Review status: criteria provided, single submitter. Criteria: NYGC Assertion Criteria 2020. Collection method: clinical testing. Allele origin: inherited. Observed: 1 heterozygote. Study: CSER-NYCKidSeq.
Comment: The c.6217C>T (p.Pro2073Ser) variant identified in the MED12L gene substitutes a moderately conserved Proline for Serine at amino acid 2073/2146 (exon 41/43). This variant is absent from gnomAD(v3.1) suggesting it is not a common benign variant in the populations represented in that database. In silico algorithms predict this variant to be Tolerated (SIFT; score:0.095) and Benign (REVEL; score:0.092) to the function of the canonical transcript. This variant is absent from ClinVar and to our current knowledge has not been reported in affected individuals in the literature. The p.Pro2073 residue is not within a mapped domain of MED12L, but is within a Gln-rich C-terminal region of the protein. Given the lack of compelling evidence for its pathogenicity, the inherited c.6217C>T (p.Pro2073Ser) variant identified in the MED12L gene is reported as a Variant of Uncertain Significance.